The following is an entry in ClinVar:

ClinVar aggregate classification (germline): Uncertain significance. Review status: criteria provided, multiple submitters, no conflicts (2 of 4 stars). 2 submissions from 2 submitters: Uncertain significance (2). Last evaluated 2025-10-08.

Conditions:
Juvenile polyposis syndrome (JPS). Identifiers: Orphanet 2929, MedGen C0345893, MONDO:0017380, OMIM 174900.
Hereditary cancer-predisposing syndrome. Also called: Hereditary neoplastic syndrome; Hereditary Cancer Syndrome; Neoplastic Syndromes, Hereditary; Tumor predisposition. Identifiers: Orphanet 140162, MedGen C0027672, MeSH D009386, MONDO:0015356.

Submissions (2):

Ambry Genetics
Classification: Uncertain significance for Hereditary cancer-predisposing syndrome. Last evaluated: 2025-10-08. Review status: criteria provided, single submitter. Criteria: Ambry Variant Classification Scheme 2023. Collection method: clinical testing. Allele origin: germline.
Comment: The c.887_889delTTA variant (also known as p.I296del) is located in coding exon 8 of the BMPR1A gene. This variant results from an in-frame TTA deletion at nucleotide positions 887 to 889. This results in the in-frame deletion of an isoleucine at codon 296. This amino acid position is highly conserved in available vertebrate species. In addition, this variant is predicted to be deleterious by in silico analysis (Choi Y et al. PLoS ONE. 2012; 7(10):e46688). Based on the available evidence, the clinical significance of this variant remains unclear.

Labcorp Genetics (formerly Invitae), Labcorp
Classification: Uncertain significance for Juvenile polyposis syndrome. Last evaluated: 2025-04-14. Review status: criteria provided, single submitter. Criteria: Invitae Variant Classification Sherloc (09022015). Collection method: clinical testing. Allele origin: germline.
Comment: This variant, c.887_889del, results in the deletion of 1 amino acid(s) of the BMPR1A protein (p.Ile296del), but otherwise preserves the integrity of the reading frame. This variant is not present in population databases (gnomAD no frequency). This variant has not been reported in the literature in individuals affected with BMPR1A-related conditions. Experimental studies and prediction algorithms are not available or were not evaluated, and the functional significance of this variant is currently unknown. In summary, the available evidence is currently insufficient to determine the role of this variant in disease. Therefore, it has been classified as a Variant of Uncertain Significance.

NM_004329.3(BMPR1A):c.887_889del (p.Ile296del)

Gene: BMPR1A (bone morphogenetic protein receptor type 1A; plus strand). Cytogenetic location: 10q23.2.
Variant type: Deletion.
Coding change: c.887_889del on transcript NM_004329.3 (MANE Select); coding-DNA positions 887 to 889, 3 bases deleted (TTA; older notation c.887_889delTTA).
Protein change: p.Ile296del; deletes isoleucine 296.
Molecular consequence: inframe deletion. On other transcripts: non-coding transcript variant (3).
Genome position (GRCh38, 1-based): chr10:86,919,190-86,919,192, TTA deleted; deleting any 3 consecutive bases within chr10:86,919,189-86,919,192 gives the same sequence; the c. name uses the placement nearest the transcript's 3' end. VCF-style (leftmost placement, unchanged base first): chr10-86919188-CATT-C. GRCh37 (hg19) VCF-style: chr10-88678945-CATT-C.
Other names: c.962_964del, p.Ile321del (NM_001406559.1); c.935_937del, p.Ile312del (NM_001406560.1); c.887_889del, p.Ile296del (NM_001406561.1, NM_001406562.1, NM_001406563.1 and 19 more transcripts); c.881_883del, p.Ile294del (NM_001406583.1); c.803_805del, p.Ile268del (NM_001406584.1, NM_001406585.1, NM_001406586.1 and 2 more transcripts); c.545_547del, p.Ile182del (NM_001406589.1); short protein forms I268del, I296del, I312del, I182del, I321del, I294del.
Identifiers: ClinVar variation 4623313 (VCV004623313.2).